The following is an entry in ClinVar:

NM_022051.3(EGLN1):c.401A>G (p.Gln134Arg)

Gene: EGLN1 (egl-9 family hypoxia inducible factor 1; minus strand). Cytogenetic location: 1q42.2.
Variant type: single nucleotide variant.
Coding change: c.401A>G on transcript NM_022051.3 (MANE Select); coding-DNA position 401, A replaced by G.
Protein change: p.Gln134Arg; replaces glutamine 134 with arginine.
Molecular consequence: missense variant.
Genome position (GRCh38, 1-based): chr1:231,421,488, T>C on the plus strand (A>G on the coding strand, the complement: EGLN1 is on the minus strand). VCF-style: chr1-231421488-T-C. GRCh37 (hg19) VCF-style: chr1-231557234-T-C.
Other names: c.401A>G, p.Gln134Arg (NM_001377260.1, NM_001377261.1); short protein forms Q134R.
Identifiers: ClinVar variation 1737084 (VCV001737084.3), dbSNP rs2527360257, ClinGen allele CA345237232.

ClinVar aggregate classification (germline): Uncertain significance (1 of 4 stars; one submission).

Submission:

Ambry Genetics
Classification: Uncertain significance. Last evaluated: 2025-01-25. Review status: criteria provided, single submitter. Criteria: Ambry Variant Classification Scheme 2023. Collection method: clinical testing. Allele origin: germline.
Comment: The p.Q134R variant (also known as c.401A>G), located in coding exon 1 of the EGLN1 gene, results from an A to G substitution at nucleotide position 401. The glutamine at codon 134 is replaced by arginine, an amino acid with highly similar properties. This amino acid position is conserved. In addition, this alteration is predicted to be tolerated by in silico analysis. Since supporting evidence is limited at this time, the clinical significance of this alteration remains unclear.